The following is an entry in ClinVar:

NM_024675.4(PALB2):c.312T>C (p.Pro104=)

Gene: PALB2 (partner and localizer of BRCA2; minus strand). Cytogenetic location: 16p12.2.
Variant type: single nucleotide variant.
Coding change: c.312T>C on transcript NM_024675.4 (MANE Select); coding-DNA position 312, T replaced by C.
Protein change: p.Pro104=; no amino-acid change (proline 104 retained).
Molecular consequence: synonymous variant.
Genome position (GRCh38, 1-based): chr16:23,636,234, A>G on the plus strand (T>C on the coding strand, the complement: PALB2 is on the minus strand). VCF-style: chr16-23636234-A-G. GRCh37 (hg19) VCF-style: chr16-23647555-A-G.
Identifiers: ClinVar variation 184298 (VCV000184298.28), dbSNP rs749203259, ClinGen allele CA188525.

ClinVar aggregate classification (germline): Benign/Likely benign. Review status: criteria provided, multiple submitters, no conflicts (2 of 4 stars). 11 submissions from 11 submitters: Benign (1); Likely benign (10). Last evaluated 2026-01-11.

Conditions:
Breast and/or ovarian cancer. Identifiers: MedGen CN221562.
Hereditary cancer-predisposing syndrome. Also called: Tumor predisposition; Neoplastic Syndromes, Hereditary; Hereditary neoplastic syndrome; Hereditary Cancer Syndrome. Identifiers: Orphanet 140162, MedGen C0027672, MeSH D009386, MONDO:0015356.
Familial cancer of breast. Also called: hereditary breast carcinoma; BREAST CANCER, FAMILIAL; Hereditary breast cancer. Identifiers: Orphanet 227535, MedGen C0346153, MONDO:0016419, OMIM 114480. Disease mechanism: loss of function.

Allele frequency attached by ClinVar (database versions not stated): gnomAD exomes below 0.00001 and 0.00005; ExAC 0.00001; gnomAD 0.00001; TOPMed 0.00002.
gnomAD v4.1: 68 of 1,613,696 alleles (0.0042%); highest among the groups gnomAD compares: Non-Finnish European, 0.0058%; no homozygotes.

Submissions (11):

Labcorp Genetics (formerly Invitae), Labcorp
Classification: Likely benign for Familial cancer of breast. Last evaluated: 2026-01-11. Review status: criteria provided, single submitter. Criteria: Invitae Variant Classification Sherloc (09022015). Collection method: clinical testing. Allele origin: germline.

Quest Diagnostics Nichols Institute San Juan Capistrano
Classification: Likely benign. Last evaluated: 2025-07-01. Review status: criteria provided, single submitter. Criteria: Quest Diagnostics criteria. Collection method: clinical testing. Allele origin: unknown.

Center for Genomic Medicine, Rigshospitalet, Copenhagen University Hospital
Classification: Likely benign. Last evaluated: 2025-03-04. Review status: criteria provided, single submitter. Criteria: ACMG Guidelines, 2015. Collection method: clinical testing. Allele origin: germline.

Myriad Genetics, Inc.
Classification: Benign for Familial cancer of breast. Last evaluated: 2025-01-10. Review status: criteria provided, single submitter. Criteria: Myriad Autosomal Dominant, Autosomal Recessive and X-Linked Classification Criteria (2023). Collection method: clinical testing. Allele origin: unknown.
Comment: This variant is considered benign. This variant is a silent/synonymous amino acid change and it is not expected to impact splicing.

Blueprint Genetics
Classification: Likely benign. Last evaluated: 2024-07-24. Review status: criteria provided, single submitter. Criteria: ACMG Guidelines, 2015. Collection method: clinical testing. Allele origin: germline.

CHEO Genetics Diagnostic Laboratory, Children's Hospital of Eastern Ontario
Classification: Likely benign for Breast and/or ovarian cancer. Last evaluated: 2022-05-03. Review status: criteria provided, single submitter. Criteria: ACMG Guidelines, 2015. Collection method: clinical testing. Allele origin: germline.

Sema4
Classification: Likely benign for Hereditary cancer-predisposing syndrome. Last evaluated: 2022-02-09. Review status: criteria provided, single submitter. Criteria: Sema4 Curation Guidelines. Collection method: curation. Allele origin: germline.

GeneDx
Classification: Likely benign. Last evaluated: 2019-06-20. Review status: criteria provided, single submitter. Criteria: GeneDx Variant Classification Process June 2021. Collection method: clinical testing. Allele origin: germline. Affected: yes.

PreventionGenetics, part of Exact Sciences
Classification: Likely benign. Last evaluated: 2018-01-19. Review status: criteria provided, single submitter. Criteria: ACMG Guidelines, 2015. Collection method: clinical testing. Allele origin: germline.

Color Diagnostics, LLC DBA Color Health
Classification: Likely benign for Hereditary cancer-predisposing syndrome. Last evaluated: 2016-11-15. Review status: criteria provided, single submitter. Criteria: ACMG Guidelines, 2015. Collection method: clinical testing. Allele origin: germline.

Ambry Genetics
Classification: Likely benign for Hereditary cancer-predisposing syndrome. Last evaluated: 2014-10-23. Review status: criteria provided, single submitter. Criteria: Ambry Variant Classification Scheme 2023. Collection method: clinical testing. Allele origin: germline.

Literature cited by the submitters: PubMed 35768438 (cited by Quest Diagnostics Nichols Institute San Juan Capistrano).